The following is an entry in ClinVar:

ClinVar aggregate classification (germline): Uncertain significance (1 of 4 stars; one submission).

Submission:

GeneDx
Classification: Uncertain significance. Last evaluated: 2023-11-28. Review status: criteria provided, single submitter. Criteria: GeneDx Variant Classification Process June 2021. Collection method: clinical testing. Allele origin: germline. Affected: yes.
Comment: Not observed at significant frequency in large population cohorts (gnomAD); In silico analysis supports that this missense variant does not alter protein structure/function; Has not been previously published as pathogenic or benign to our knowledge

NM_000264.5(PTCH1):c.3956G>C (p.Arg1319Pro)

Gene: PTCH1 (patched 1; minus strand). Cytogenetic location: 9q22.32.
Variant type: single nucleotide variant.
Coding change: c.3956G>C on transcript NM_000264.5 (MANE Select); coding-DNA position 3956, G replaced by C.
Protein change: p.Arg1319Pro; replaces arginine 1319 with proline.
Molecular consequence: missense variant. On other transcripts: non-coding transcript variant (1).
Genome position (GRCh38, 1-based): chr9:95,447,300, C>G on the plus strand (G>C on the coding strand, the complement: PTCH1 is on the minus strand). VCF-style: chr9-95447300-C-G. GRCh37 (hg19) VCF-style: chr9-98209582-C-G.
Other names: c.3758G>C, p.Arg1253Pro (NM_001083602.3); c.3953G>C, p.Arg1318Pro (NM_001083603.3); c.3503G>C, p.Arg1168Pro (NM_001083604.3, NM_001083605.3, NM_001083606.3 and 1 more transcripts); c.3800G>C, p.Arg1267Pro (NM_001354918.2); short protein forms R1168P, R1253P, R1267P, R1318P, R1319P.
Identifiers: ClinVar variation 3364973 (VCV003364973.1).